The following is an entry in ClinVar:

NM_015072.5(TTLL5):c.649A>G (p.Ile217Val)

Gene: TTLL5 (tubulin tyrosine ligase like 5; plus strand). Cytogenetic location: 14q24.3.
Variant type: single nucleotide variant.
Coding change: c.649A>G on transcript NM_015072.5 (MANE Select); coding-DNA position 649, A replaced by G.
Protein change: p.Ile217Val; replaces isoleucine 217 with valine.
Molecular consequence: missense variant.
Genome position (GRCh38, 1-based): chr14:75,707,081, A>G. VCF-style: chr14-75707081-A-G. GRCh37 (hg19) VCF-style: chr14-76173424-A-G.
Other names: short protein forms I217V.
Identifiers: ClinVar variation 1958839 (VCV001958839.4), dbSNP rs1023642723, ClinGen allele CA263682619.
Genomic context (GRCh38, chr14:75,707,081, plus strand): 5'-AACCAGATCTCCCTGGAAGAGAACATTTTGGTCTCCCGTTACATTAACAACCCCCTGCTC[A>G]TAGATGGTGAGTTGTGATTAGGCCCTTGACCAAATTGGGCCAGATTTTTGCTCAACTTTT-3'
Protein context (NP_055887.3, residues 207-227): VSRYINNPLL[Ile217Val]DDFKFDVRLY

ClinVar aggregate classification (germline): Uncertain significance (1 of 4 stars; one submission).

Allele frequency attached by ClinVar (database versions not stated): gnomAD 0.00001; gnomAD exomes 0.00001; TOPMed 0.00001.
gnomAD v4.1: 20 of 1,612,228 alleles (0.0012%); highest among the groups gnomAD compares: Non-Finnish European, 0.0016%; no homozygotes.

Submission:

Labcorp Genetics (formerly Invitae), Labcorp
Classification: Uncertain significance. Last evaluated: 2022-08-09. Review status: criteria provided, single submitter. Criteria: Invitae Variant Classification Sherloc (09022015). Collection method: clinical testing. Allele origin: germline.
Comment: In summary, the available evidence is currently insufficient to determine the role of this variant in disease. Therefore, it has been classified as a Variant of Uncertain Significance. Algorithms developed to predict the effect of missense changes on protein structure and function are either unavailable or do not agree on the potential impact of this missense change (SIFT: "Tolerated"; PolyPhen-2: "Possibly Damaging"; Align-GVGD: "Class C0"). This variant has not been reported in the literature in individuals affected with TTLL5-related conditions. This variant is present in population databases (no rsID available, gnomAD 0.004%). This sequence change replaces isoleucine, which is neutral and non-polar, with valine, which is neutral and non-polar, at codon 217 of the TTLL5 protein (p.Ile217Val).